The following is an entry in ClinVar:

NM_001008537.3(NEXMIF):c.4234C>T (p.Arg1412Cys)

Gene: NEXMIF (neurite extension and migration factor; minus strand). Cytogenetic location: Xq13.3.
Variant type: single nucleotide variant.
Coding change: c.4234C>T on transcript NM_001008537.3 (MANE Select); coding-DNA position 4234, C replaced by T.
Protein change: p.Arg1412Cys; replaces arginine 1412 with cysteine.
Molecular consequence: missense variant.
Genome position (GRCh38, 1-based): chrX:74,740,323, G>A on the plus strand (C>T on the coding strand, the complement: NEXMIF is on the minus strand). VCF-style: chrX-74740323-G-A. GRCh37 (hg19) VCF-style: chrX-73960158-G-A.
Other names: short protein forms R1412C.
Identifiers: ClinVar variation 857643 (VCV000857643.7), dbSNP rs146774692, ClinGen allele CA10454863.
Genomic context (GRCh38, chrX:74,740,323, plus strand): 5'-TATACTTTTTATCAAAGAAGGTAGAGCGAGAGTCCTCGTTATAACCAGGCATGTTTGCAC[G>A]ACCAGGATCACCTATTGCTGTTTTCCCATTGCTTTTGCTCACACCCTTGATTGACCTGTG-3'
Protein context (NP_001008537.1, residues 1402-1422): NGKTAIGDPG[Arg1412Cys]ANMPGYNEDS

ClinVar aggregate classification (germline): Uncertain significance (1 of 4 stars; one submission).

Allele frequency attached by ClinVar (database versions not stated): ExAC 0.00001; gnomAD exomes 0.00001 and 0.00002; gnomAD 0.00002 and 0.00004; TOPMed 0.00003; ESP Exome Variant Server 0.00009.
gnomAD v4.1: 31 of 1,209,481 alleles (0.0026%); highest among the groups gnomAD compares: Non-Finnish European, 0.0032%; no homozygotes.

Submission:

Labcorp Genetics (formerly Invitae), Labcorp
Classification: Uncertain significance. Last evaluated: 2024-04-17. Review status: criteria provided, single submitter. Criteria: Invitae Variant Classification Sherloc (09022015). Collection method: clinical testing. Allele origin: germline.
Comment: This sequence change replaces arginine, which is basic and polar, with cysteine, which is neutral and slightly polar, at codon 1412 of the NEXMIF protein (p.Arg1412Cys). This variant is present in population databases (rs146774692, gnomAD 0.003%), including at least one homozygous and/or hemizygous individual. This variant has not been reported in the literature in individuals affected with NEXMIF-related conditions. ClinVar contains an entry for this variant (Variation ID: 857643). Algorithms developed to predict the effect of missense changes on protein structure and function output the following: SIFT: "Not Available"; PolyPhen-2: "Benign"; Align-GVGD: "Not Available". The cysteine amino acid residue is found in multiple mammalian species, which suggests that this missense change does not adversely affect protein function. In summary, the available evidence is currently insufficient to determine the role of this variant in disease. Therefore, it has been classified as a Variant of Uncertain Significance.